The following is an entry in ClinVar:

NM_024301.5(FKRP):c.829G>C (p.Val277Leu)

Gene: FKRP (fukutin related protein; plus strand). Cytogenetic location: 19q13.32.
Variant type: single nucleotide variant.
Coding change: c.829G>C on transcript NM_024301.5 (MANE Select); coding-DNA position 829, G replaced by C.
Protein change: p.Val277Leu; replaces valine 277 with leucine.
Molecular consequence: missense variant.
Genome position (GRCh38, 1-based): chr19:46,756,279, G>C. VCF-style: chr19-46756279-G-C. GRCh37 (hg19) VCF-style: chr19-47259536-G-C.
Other names: c.829G>C, p.Val277Leu (NM_001039885.3); short protein forms V277L.
Identifiers: ClinVar variation 1810147 (VCV001810147.1), dbSNP rs772140465, ClinGen allele CA9532203.
Genomic context (GRCh38, chr19:46,756,279, plus strand): 5'-GCTGAGCGCGAGGGACGCGCTCGGCGGGCGGCGCTGCTCCGCGCGCTGGGCATCCGCCTA[G>C]TGAGCTGGGAAGGCGGGCGGCTGGAGTGGTTCGGCTGCAACAAGGAGACCACGCGCTGCT-3'
Protein context (NP_077277.1, residues 267-287): ALLRALGIRL[Val277Leu]SWEGGRLEWF

ClinVar aggregate classification (germline): Uncertain significance (1 of 4 stars; one submission).

Allele frequency attached by ClinVar (database versions not stated): gnomAD 0.00001; ExAC 0.00055.
gnomAD v4.1: 18 of 1,519,718 alleles (0.0012%); highest among the groups gnomAD compares: South Asian, 0.022%; no homozygotes.

Submission:

GeneDx
Classification: Uncertain significance. Last evaluated: 2022-06-30. Review status: criteria provided, single submitter. Criteria: GeneDx Variant Classification Process June 2021. Collection method: clinical testing. Allele origin: germline. Affected: yes.
Comment: Not observed at significant frequency in large population cohorts (gnomAD); Missense variants in this gene are often considered pathogenic (HGMD); In silico analysis supports that this missense variant does not alter protein structure/function; Has not been previously published as pathogenic or benign to our knowledge; This variant is associated with the following publications: (PMID: 27439679)